The following is an entry in ClinVar:

GRCh37/hg19 Xp22.13(chrX:18235875-18523090)x1

Genes: BEND2 (BEN domain containing 2; minus strand), CDKL5 (cyclin dependent kinase like 5; plus strand), SCML2 (Scm polycomb group protein like 2; minus strand). Cytogenetic location: Xp22.13.
Variant type: copy number loss.
Change: copy number 1 of chrX:18,235,875-18,523,090 (287.2 kb, GRCh37 coordinates, 1-based), cytogenetic band Xp22.13.
Identifiers: ClinVar variation 2685694 (VCV002685694.1).

ClinVar aggregate classification (germline): Likely pathogenic (1 of 4 stars; one submission).

Submission:

Quest Diagnostics Nichols Institute San Juan Capistrano
Classification: Likely pathogenic. Last evaluated: 2022-08-12. Review status: criteria provided, single submitter. Criteria: ACMG/ClinGen CNV Guidelines, 2019. Collection method: clinical testing. Allele origin: unknown.
Comment: The copy number loss of Xp22.13 includes the first (non-coding) exon (NM_003159.3) of CDKL5 (OMIM 300203). Heterozygous variants of CDKL5 are associated with autosomal dominant developmental and epileptic encephalopathy 2 (DEE2; OMIM 300672). There have been several reports of individuals with deletions limited to exon 1 or other portions of the 5' UTR of CDKL5 with variable phenotypes (Bahi-Buisson 2010, Demarest 2019, Fehr 2013, Liang 2011, Nemos 2009, Quintiliani 2022). Further, there are no similar copy number losses of this region in the general populations of the Database of Genomic Variants. Thus, this copy number variant (CNV) is interpreted as likely pathogenic. References: Bahi-Buisson et al., Am J Med Genet B Neuropsychiatr Genet. 2010 Jan 5;153B(1):202-7. PMID: 19455595 Demarest et al., Epilepsia. 2019 Aug;60(8):1733-1742. PMID: 31313283 Fehr et al., Eur J Hum Genet. 2013 Mar;21(3):266-73. PMID: 22872100 Liang et al., Epilepsia. 2011 Oct;52(10):1835-42. PMID: 21770923 Nemos et al., Clin Genet. 2009 Oct;76(4):357-71. PMID: 19793311 Quintiliani et al., Front Neurol. 2022 Jan 26;12:805745. PMID: 35153983